The following is an entry in ClinVar:

ClinVar aggregate classification (germline): Conflicting classifications of pathogenicity. Review status: criteria provided, conflicting classifications (1 of 4 stars). 5 submissions from 5 submitters: Likely pathogenic (1); Uncertain significance (3). 1 of the submissions does not count toward it. Last evaluated 2025-11-26.

Conditions:
Mucopolysaccharidosis, MPS-III-A (MPS3A). Also called: Mucopolysaccharidosis, type IIIA; MPS IIIA (Sanfilippo Syndrome Type A); MPS III A; SANFILIPPO SYNDROME A; SULFAMIDASE DEFICIENCY; Mucopolysaccharidosis type IIIA (Sanfilippo A). Identifiers: Orphanet 581, Orphanet 79269, MedGen C0086647, MONDO:0009655, OMIM 252900.

Allele frequency attached by ClinVar (database versions not stated): gnomAD 0.00001.
gnomAD v4.1: 11 of 1,613,510 alleles (0.00068%); highest among the groups gnomAD compares: East Asian, 0.0022%; no homozygotes.

Submissions (5):

Natera, Inc.
Classification: Likely pathogenic for Mucopolysaccharidosis type IIIA. Last evaluated: 2025-11-26. Review status: criteria provided, single submitter. Criteria: Natera Variant Classification Schema (03/2026). Collection method: clinical testing. Allele origin: germline.
Comment: The c.911G>T variant in SGSH is a missense variant predicted to cause substitution of arginine to leucine at amino acid 304. This variant is rare in the general population with a frequency below the threshold expected for the associated phenotype(s). This variant has been observed in one or more individuals affected with the associated recessive disease, as either homozygous or compound heterozygous with a second variant (PMID: 22976768). Computational prediction algorithms indicate this variant is likely to affect gene or protein function. Given the available evidence, this variant is classified as Likely Pathogenic.

Labcorp Genetics (formerly Invitae), Labcorp
Classification: Uncertain significance for Mucopolysaccharidosis, MPS-III-A. Last evaluated: 2025-11-24. Review status: criteria provided, single submitter. Criteria: Invitae Variant Classification Sherloc (09022015). Collection method: clinical testing. Allele origin: germline.
Comment: This sequence change replaces arginine, which is basic and polar, with leucine, which is neutral and non-polar, at codon 304 of the SGSH protein (p.Arg304Leu). This variant is present in population databases (rs745884647, gnomAD 0.02%). This missense change has been observed in individuals with mucopolysaccharidosis type III (PMID: 17128482, 22976768). ClinVar contains an entry for this variant (Variation ID: 555619). Invitae Evidence Modeling of protein sequence and biophysical properties (such as structural, functional, and spatial information, amino acid conservation, physicochemical variation, residue mobility, and thermodynamic stability) has been performed for this missense variant. However, the output from this modeling did not meet the statistical confidence thresholds required to predict the impact of this variant on SGSH protein function. In summary, the available evidence is currently insufficient to determine the role of this variant in disease. Therefore, it has been classified as a Variant of Uncertain Significance.

Women's Health and Genetics/Laboratory Corporation of America, LabCorp
Classification: Uncertain significance. Last evaluated: 2022-08-01. Review status: criteria provided, single submitter. Criteria: LabCorp Variant Classification Summary - May 2015. Collection method: clinical testing. Allele origin: germline.
Comment: Variant summary: SGSH c.911G>T (p.Arg304Leu) results in a non-conservative amino acid change located in the Sulfatase, N-terminal domain of the encoded protein sequence. Five of five in-silico tools predict a damaging effect of the variant on protein function. The variant allele was found at a frequency of 8e-06 in 250694 control chromosomes. c.911G>T has been reported in the literature in two individuals affected with Mucopolysaccharidosis Type IIIA (Sanfilippo Syndrome A). These data indicate that the variant may be associated with disease. To our knowledge, no experimental evidence demonstrating an impact on protein function has been reported. Two clinical diagnostic laboratories have submitted clinical-significance assessments for this variant to ClinVar after 2014 without evidence for independent evaluation. One laboratory classified the variant as likely pathogenic, and one laboratory classified the variant as uncertain significance. Based on the evidence outlined above, the variant was classified as VUS-possibly pathogenic.

Blueprint Genetics
Classification: Uncertain significance. Last evaluated: 2022-01-28. Review status: criteria provided, single submitter. Criteria: ACMG Guidelines, 2015. Collection method: clinical testing. Allele origin: germline.

Counsyl
Classification: Likely pathogenic for Mucopolysaccharidosis, MPS-III-A. Last evaluated: 2017-12-14. Review status: no assertion criteria provided. Collection method: clinical testing. Allele origin: unknown. Not counted in ClinVar's aggregate classification.

Literature cited by the submitters: PubMed 22976768 (cited by 4 submitters); PubMed 17128482 (cited by Labcorp Genetics (formerly Invitae), Labcorp and Counsyl); PubMed 24816101 (cited by Counsyl).

NM_000199.5(SGSH):c.911G>T (p.Arg304Leu)

Gene: SGSH (N-sulfoglucosamine sulfohydrolase; minus strand). Cytogenetic location: 17q25.3.
Variant type: single nucleotide variant.
Coding change: c.911G>T on transcript NM_000199.5 (MANE Select); coding-DNA position 911, G replaced by T.
Protein change: p.Arg304Leu; replaces arginine 304 with leucine.
Molecular consequence: missense variant. On other transcripts: non-coding transcript variant (1).
Genome position (GRCh38, 1-based): chr17:80,212,109, C>A on the plus strand (G>T on the coding strand, the complement: SGSH is on the minus strand). VCF-style: chr17-80212109-C-A. GRCh37 (hg19) VCF-style: chr17-78185908-C-A.
Other names: c.911G>T, p.Arg304Leu (NM_001352921.3, NM_001352922.2); c.911G>T (NM_000199.4); short protein forms R304L.
Identifiers: ClinVar variation 555619 (VCV000555619.11), dbSNP rs745884647, ClinGen allele CA8817752.